The following is an entry in ClinVar:

NM_138387.4(G6PC3):c.287A>G (p.Gln96Arg)

Gene: G6PC3 (glucose-6-phosphatase catalytic subunit 3; plus strand). Cytogenetic location: 17q21.31.
Variant type: single nucleotide variant.
Coding change: c.287A>G on transcript NM_138387.4 (MANE Select); coding-DNA position 287, A replaced by G.
Protein change: p.Gln96Arg; replaces glutamine 96 with arginine.
Molecular consequence: missense variant. On other transcripts: 5 prime UTR variant (4).
Genome position (GRCh38, 1-based): chr17:44,074,228, A>G. VCF-style: chr17-44074228-A-G. GRCh37 (hg19) VCF-style: chr17-42151596-A-G.
Other names: c.287A>G, p.Gln96Arg (NM_001319945.2); c.-59A>G (NM_001384165.1, NM_001384166.1, NM_001384167.1 and 1 more transcripts); short protein forms Q96R.
Identifiers: ClinVar variation 3614825 (VCV003614825.3).

ClinVar aggregate classification (germline): Uncertain significance. Review status: criteria provided, multiple submitters, no conflicts (2 of 4 stars). 2 submissions from 2 submitters: Uncertain significance (2). Last evaluated 2025-07-19.

Conditions:
Inborn genetic diseases. Identifiers: MedGen C0950123, MeSH D030342.
Autosomal recessive severe congenital neutropenia due to G6PC3 deficiency. Also called: NEUTROPENIA, SEVERE CONGENITAL, 4, AUTOSOMAL RECESSIVE; G6PC3 Deficiency. Identifiers: Orphanet 331176, MedGen C2751630, MONDO:0012930, OMIM 612541.

Submissions (2):

Ambry Genetics
Classification: Uncertain significance for Inborn genetic diseases. Last evaluated: 2025-07-19. Review status: criteria provided, single submitter. Criteria: Ambry Variant Classification Scheme 2023. Collection method: clinical testing. Allele origin: germline.
Comment: The p.Q96R variant (also known as c.287A>G), located in coding exon 2 of the G6PC3 gene, results from an A to G substitution at nucleotide position 287. The glutamine at codon 96 is replaced by arginine, an amino acid with highly similar properties. This amino acid position is conserved. In addition, this alteration is predicted to be tolerated by in silico analysis. Based on the available evidence, the clinical significance of this variant remains unclear.

Labcorp Genetics (formerly Invitae), Labcorp
Classification: Uncertain significance for Autosomal recessive severe congenital neutropenia due to G6PC3 deficiency. Last evaluated: 2024-02-08. Review status: criteria provided, single submitter. Criteria: Invitae Variant Classification Sherloc (09022015). Collection method: clinical testing. Allele origin: germline.
Comment: This sequence change replaces glutamine, which is neutral and polar, with arginine, which is basic and polar, at codon 96 of the G6PC3 protein (p.Gln96Arg). This variant is not present in population databases (gnomAD no frequency). This variant has not been reported in the literature in individuals affected with G6PC3-related conditions. Advanced modeling of protein sequence and biophysical properties (such as structural, functional, and spatial information, amino acid conservation, physicochemical variation, residue mobility, and thermodynamic stability) performed at Invitae indicates that this missense variant is not expected to disrupt G6PC3 protein function with a negative predictive value of 80%. In summary, the available evidence is currently insufficient to determine the role of this variant in disease. Therefore, it has been classified as a Variant of Uncertain Significance.